The following is an entry in ClinVar:

NM_000123.4(ERCC5):c.160C>T (p.His54Tyr)

Genes: BIVM-ERCC5 (BIVM-ERCC5 readthrough; plus strand), ERCC5 (ERCC excision repair 5, endonuclease; plus strand). Cytogenetic location: 13q33.1.
Variant type: single nucleotide variant.
Coding change: c.160C>T on transcript NM_000123.4 (MANE Select); coding-DNA position 160, C replaced by T.
Protein change: p.His54Tyr; replaces histidine 54 with tyrosine.
Molecular consequence: missense variant.
Genome position (GRCh38, 1-based): chr13:102,852,189, C>T. VCF-style: chr13-102852189-C-T. GRCh37 (hg19) VCF-style: chr13-103504539-C-T.
Other names: c.1522C>T, p.His508Tyr (NM_001204425.2); short protein forms H508Y, H54Y.
Identifiers: ClinVar variation 1312567 (VCV001312567.3), dbSNP rs1333614535, ClinGen allele CA388566861.

ClinVar aggregate classification (germline): Uncertain significance (1 of 4 stars; one submission).

Allele frequency attached by ClinVar (database versions not stated): TOPMed 0.00003; gnomAD 0.00004; gnomAD exomes 0.00001.
gnomAD v4.1: 13 of 1,613,962 alleles (0.00081%); highest among the groups gnomAD compares: Admixed American, 0.0067%; no homozygotes.

Submission:

GeneDx
Classification: Uncertain significance. Last evaluated: 2022-01-19. Review status: criteria provided, single submitter. Criteria: GeneDx Variant Classification Process June 2021. Collection method: clinical testing. Allele origin: germline. Affected: yes.
Comment: Not observed at a significant frequency in large population cohorts (gnomAD); In silico analysis supports that this missense variant has a deleterious effect on protein structure/function; Has not been previously published as pathogenic or benign to our knowledge